The following is an entry in ClinVar:

NM_001401501.2(MUC16):c.41046-3C>T

Gene: MUC16 (mucin 16, cell surface associated; minus strand). Cytogenetic location: 19p13.2.
Variant type: single nucleotide variant.
Coding change: c.41046-3C>T on transcript NM_001401501.2 (MANE Select); 3 bases into the intron before coding-DNA position 41046, C replaced by T.
Molecular consequence: intron variant.
Genome position (GRCh38, 1-based): chr19:8,888,090, G>A on the plus strand (C>T on the coding strand, the complement: MUC16 is on the minus strand). VCF-style: chr19-8888090-G-A. GRCh37 (hg19) VCF-style: chr19-8998766-G-A.
Other names: c.41472-3C>T (NM_001414686.1); c.40926-3C>T (NM_001414687.1); c.40820-3C>T (NM_024690.2).
Identifiers: ClinVar variation 3044318 (VCV003044318.2), dbSNP rs1461892508, ClinGen allele CA631395982.

ClinVar aggregate classification (germline): Likely benign (0 of 4 stars; one submission).

Conditions:
MUC16-related disorder. Also called: MUC16-related condition.

Allele frequency attached by ClinVar (database versions not stated): gnomAD exomes below 0.00001; 1000 Genomes Project 30x 0.00312.

Submission:

PreventionGenetics, part of Exact Sciences
Classification: Likely benign for MUC16-related condition. Last evaluated: 2019-09-18. Review status: no assertion criteria provided. Collection method: clinical testing. Allele origin: germline.
Comment: This variant is classified as likely benign based on ACMG/AMP sequence variant interpretation guidelines (Richards et al. 2015 PMID: 25741868, with internal and published modifications).